The following is an entry in ClinVar:

NM_000051.4(ATM):c.4719T>G (p.Asp1573Glu)

Gene: ATM (ATM serine/threonine kinase; plus strand). Cytogenetic location: 11q22.3.
Variant type: single nucleotide variant.
Coding change: c.4719T>G on transcript NM_000051.4 (MANE Select); coding-DNA position 4719, T replaced by G.
Protein change: p.Asp1573Glu; replaces aspartic acid 1573 with glutamic acid.
Molecular consequence: missense variant.
Genome position (GRCh38, 1-based): chr11:108,293,420, T>G. VCF-style: chr11-108293420-T-G. GRCh37 (hg19) VCF-style: chr11-108164147-T-G.
Other names: c.4719T>G, p.Asp1573Glu (NM_001351834.2); short protein forms D1573E.
Identifiers: ClinVar variation 2089166 (VCV002089166.4), dbSNP rs2546931627, ClinGen allele CA382534950.
Genomic context (GRCh38, chr11:108,293,420, plus strand): 5'-AAACCTCTATATCACGATTAAGCTTTTAGATCCTTTTCCTGACCATGTTGTTTTTAAGGA[T>G]TTGCGTATTACTCAGCAAAAAATCAAATACAGTAGAGGACCCTTTTCACTCTTGGAGGTA-3'
Protein context (NP_000042.3, residues 1563-1583): DPFPDHVVFK[Asp1573Glu]LRITQQKIKY

ClinVar aggregate classification (germline): Uncertain significance (1 of 4 stars; one submission).

Conditions:
Ataxia-telangiectasia syndrome (AT). Also called: Ataxia-telangiectasia, complementation group D; AT, COMPLEMENTATION GROUP C; ATAXIA-TELANGIECTASIA, COMPLEMENTATION GROUP A; ATAXIA-TELANGIECTASIA, FRESNO VARIANT; Ataxia telangiectasia (A-T); Ataxia-telangiectasia. Identifiers: Orphanet 100, MedGen C0004135, MONDO:0008840, OMIM 208900.

Submission:

Labcorp Genetics (formerly Invitae), Labcorp
Classification: Uncertain significance for Ataxia-telangiectasia syndrome. Last evaluated: 2022-01-23. Review status: criteria provided, single submitter. Criteria: Invitae Variant Classification Sherloc (09022015). Collection method: clinical testing. Allele origin: germline.
Comment: In summary, the available evidence is currently insufficient to determine the role of this variant in disease. Therefore, it has been classified as a Variant of Uncertain Significance. Advanced modeling of protein sequence and biophysical properties (such as structural, functional, and spatial information, amino acid conservation, physicochemical variation, residue mobility, and thermodynamic stability) performed at Invitae indicates that this missense variant is not expected to disrupt ATM protein function. This variant has not been reported in the literature in individuals affected with ATM-related conditions. This variant is not present in population databases (gnomAD no frequency). This sequence change replaces aspartic acid, which is acidic and polar, with glutamic acid, which is acidic and polar, at codon 1573 of the ATM protein (p.Asp1573Glu).